The following is an entry in ClinVar:

NM_012186.3(FOXE3):c.580G>A (p.Ala194Thr)

Genes: FOXE3 (forkhead box E3; plus strand), LINC01389 (long independently transcribed non-coding RNA 1389; minus strand). Cytogenetic location: 1p33.
Variant type: single nucleotide variant.
Coding change: c.580G>A on transcript NM_012186.3 (MANE Select); coding-DNA position 580, G replaced by A.
Protein change: p.Ala194Thr; replaces alanine 194 with threonine.
Molecular consequence: missense variant.
Genome position (GRCh38, 1-based): chr1:47,416,895, G>A. VCF-style: chr1-47416895-G-A. GRCh37 (hg19) VCF-style: chr1-47882567-G-A.
Other names: short protein forms A194T.
Identifiers: ClinVar variation 4793792 (VCV004793792.1).
Genomic context (GRCh38, chr1:47,416,895, plus strand): 5'-GCGCACGCGGCCGCGGCGCCAGGGCCGCCGCTCCCCTTCCCCTACGCGCCCTACGCGCCC[G>A]CGCCCGGCCCCGCGCTGCTGGTGCCGCCGCCTTCTGCCGGACCGGGCCCCTCGCCGCCCG-3'
Protein context (NP_036318.1, residues 184-204): LPFPYAPYAP[Ala194Thr]PGPALLVPPP

ClinVar aggregate classification (germline): Uncertain significance (1 of 4 stars; one submission).

Conditions:
Anterior segment dysgenesis. Also called: Ocular anterior segment dysgenesis. Identifiers: Orphanet 88632, MedGen C1862839, MONDO:0019503, HP:0007700.
Congenital primary aphakia. Also called: Anterior segment dysgenesis 2, multiple subtypes; ANTERIOR SEGMENT DYSGENESIS 2. Identifiers: Orphanet 83461, MedGen C1853230, MONDO:0012456, OMIM 610256.

Submission:

Labcorp Genetics (formerly Invitae), Labcorp
Classification: Uncertain significance for Anterior segment dysgenesis; Congenital primary aphakia. Last evaluated: 2025-08-09. Review status: criteria provided, single submitter. Criteria: Invitae Variant Classification Sherloc (09022015). Collection method: clinical testing. Allele origin: germline.
Comment: This sequence change replaces alanine, which is neutral and non-polar, with threonine, which is neutral and polar, at codon 194 of the FOXE3 protein (p.Ala194Thr). This variant is not present in population databases (gnomAD no frequency). This variant has not been reported in the literature in individuals affected with FOXE3-related conditions. Invitae Evidence Modeling of protein sequence and biophysical properties (such as structural, functional, and spatial information, amino acid conservation, physicochemical variation, residue mobility, and thermodynamic stability) indicates that this missense variant is not expected to disrupt FOXE3 protein function with a negative predictive value of 95%. In summary, the available evidence is currently insufficient to determine the role of this variant in disease. Therefore, it has been classified as a Variant of Uncertain Significance.